The following is an entry in ClinVar:

NM_000843.4(GRM6):c.426dup (p.Glu143fs)

Gene: GRM6 (glutamate metabotropic receptor 6; minus strand). Cytogenetic location: 5q35.3.
Variant type: Duplication.
Coding change: c.426dup on transcript NM_000843.4 (MANE Select); coding-DNA position 426, one base duplicated (C; older notation c.426dupC).
Protein change: p.Glu143fs; shifts the reading frame from glutamic acid 143.
Molecular consequence: frameshift variant.
Genome position (GRCh38, 1-based): chr5:178,994,519, G duplicated on the plus strand (C on the coding strand, the reverse complement: GRM6 is on the minus strand); the first of 6 consecutive G bases (chr5:178,994,519-178,994,524); duplicating any one gives the same sequence. VCF-style (leftmost placement, unchanged base first): chr5-178994518-C-CG. GRCh37 (hg19) VCF-style: chr5-178421519-C-CG.
Other names: short protein forms E143fs.
Identifiers: ClinVar variation 4850319 (VCV004850319.1).

ClinVar aggregate classification (germline): Likely pathogenic (1 of 4 stars; one submission).

Conditions:
Congenital stationary night blindness 1B. Also called: NIGHT BLINDNESS, CONGENITAL STATIONARY, COMPLETE, AUTOSOMAL RECESSIVE; Night blindness, congenital stationary (complete), 1B, autosomal recessive. Identifiers: Orphanet 215, MedGen C1850362, MONDO:0009758, OMIM 257270.

Submission:

First Genomix Gene Laboratory, Genetic Diagnostics Department
Classification: Likely pathogenic for Congenital stationary night blindness 1B. Last evaluated: 2025-09-15. Review status: criteria provided, single submitter. Criteria: ACMG Guidelines, 2015. Collection method: clinical testing. Allele origin: germline. Inheritance: Autosomal recessive inheritance. Affected: no. Observed: 1 variant allele.